The following is an entry in ClinVar:

ClinVar aggregate classification (germline): Uncertain significance. Review status: criteria provided, multiple submitters, no conflicts (2 of 4 stars). 2 submissions from 2 submitters: Uncertain significance (2). Last evaluated 2024-09-27.

Conditions:
Ehlers-Danlos syndrome, type 4 (EDSVASC). Also called: Ehlers-Danlos Syndrome Type IV; Ehlers-Danlos syndrome vascular type; Ehlers Danlos syndrome, ecchymotic type; Ehlers Danlos syndrome, arterial type; Ehlers Danlos syndrome, Sack-Barabas type. Identifiers: Orphanet 286, MedGen C0268338, MONDO:0017314, OMIM 130050.

Allele frequency attached by ClinVar (database versions not stated): gnomAD exomes below 0.00001.
gnomAD v4.1: 1 of 1,614,066 alleles (0.000062%); highest among the groups gnomAD compares: Non-Finnish European, 0.000085%; no homozygotes.

Submissions (2):

All of Us Research Program, National Institutes of Health
Classification: Uncertain significance for Ehlers-Danlos syndrome, type 4. Last evaluated: 2024-09-27. Review status: criteria provided, single submitter. Criteria: ACMG Guidelines, 2015. Collection method: clinical testing. Allele origin: germline. Inheritance: Autosomal dominant inheritance. Observed: 2 variant alleles, 2 heterozygotes.
Comment: This missense variant replaces alanine with threonine at codon 784 of the COL3A1 protein. Computational prediction suggests that this variant may not impact protein structure and function (internally defined REVEL score threshold <= 0.5, PMID: 27666373). To our knowledge, functional studies have not been reported for this variant. This variant has not been reported in individuals affected with COL3A1-related disorders in the literature. This variant has not been identified in the general population by the Genome Aggregation Database (gnomAD). The available evidence is insufficient to determine the role of this variant in disease conclusively. Therefore, this variant is classified as a Variant of Uncertain Significance.

This study involves interpretation of variants in research participants for the purpose of population health screening. Participant phenotype was not available at the time of variant classification. Additional details can be found in publication PMID: 35346344, PMCID: PMC8962531

Labcorp Genetics (formerly Invitae), Labcorp
Classification: Uncertain significance for Ehlers-Danlos syndrome, type 4. Last evaluated: 2024-01-12. Review status: criteria provided, single submitter. Criteria: Invitae Variant Classification Sherloc (09022015). Collection method: clinical testing. Allele origin: germline.
Comment: This sequence change replaces alanine, which is neutral and non-polar, with threonine, which is neutral and polar, at codon 784 of the COL3A1 protein (p.Ala784Thr). This variant is not present in population databases (gnomAD no frequency). This variant has not been reported in the literature in individuals affected with COL3A1-related conditions. Advanced modeling of protein sequence and biophysical properties (such as structural, functional, and spatial information, amino acid conservation, physicochemical variation, residue mobility, and thermodynamic stability) performed at Invitae indicates that this missense variant is not expected to disrupt COL3A1 protein function with a negative predictive value of 95%. In summary, the available evidence is currently insufficient to determine the role of this variant in disease. Therefore, it has been classified as a Variant of Uncertain Significance.

NM_000090.4(COL3A1):c.2350G>A (p.Ala784Thr)

Genes: COL3A1 (collagen type III alpha 1 chain; plus strand), LOC126806446 (P300/CBP strongly-dependent group 1 enhancer GRCh37_chr2:189866210-189867409; plus strand). Cytogenetic location: 2q32.2.
Variant type: single nucleotide variant.
Coding change: c.2350G>A on transcript NM_000090.4 (MANE Select); coding-DNA position 2350, G replaced by A.
Protein change: p.Ala784Thr; replaces alanine 784 with threonine.
Molecular consequence: missense variant.
Genome position (GRCh38, 1-based): chr2:189,001,548, G>A. VCF-style: chr2-189001548-G-A. GRCh37 (hg19) VCF-style: chr2-189866274-G-A.
Other names: short protein forms A784T.
Identifiers: ClinVar variation 2709195 (VCV002709195.5), dbSNP rs2469148020, ClinGen allele CA349842481.